The following is an entry in ClinVar:

ClinVar aggregate classification (germline): Uncertain significance (1 of 4 stars; one submission).

Conditions:
Hypertrophic cardiomyopathy 20. Identifiers: MedGen C3151267, MONDO:0013477, OMIM 613876.
Dilated cardiomyopathy 1CC (CMD1CC). Identifiers: Orphanet 154, MedGen C2751084, MONDO:0013147, OMIM 613122.

Submission:

Labcorp Genetics (formerly Invitae), Labcorp
Classification: Uncertain significance for Dilated cardiomyopathy 1CC; Hypertrophic cardiomyopathy 20. Last evaluated: 2022-04-24. Review status: criteria provided, single submitter. Criteria: Invitae Variant Classification Sherloc (09022015). Collection method: clinical testing. Allele origin: germline.
Comment: This variant has not been reported in the literature in individuals affected with NEXN-related conditions. This variant is a gross deletion of the genomic region encompassing exon(s) 10-11 of the NEXN gene. This variant would be expected to be in-frame, preserving the integrity of the reading frame. In summary, the available evidence is currently insufficient to determine the role of this variant in disease. Therefore, it has been classified as a Variant of Uncertain Significance. Experimental studies and prediction algorithms are not available or were not evaluated, and the functional significance of this variant is currently unknown.

NC_000001.10:g.(?_78398947)_(78401749_?)del

Gene: NEXN (nexilin F-actin binding protein; plus strand). Cytogenetic location: 1p31.1.
Variant type: Deletion.
Identifiers: ClinVar variation 2427291 (VCV002427291.4).